The following is an entry in ClinVar:

ClinVar aggregate classification (germline): Uncertain significance (1 of 4 stars; one submission).

Allele frequency attached by ClinVar (database versions not stated): ExAC 0.00017.
gnomAD v4.1: 2 of 1,486,682 alleles (0.00013%); highest among the groups gnomAD compares: South Asian, 0.0012%; no homozygotes.

Submission:

Labcorp Genetics (formerly Invitae), Labcorp
Classification: Uncertain significance. Last evaluated: 2022-06-04. Review status: criteria provided, single submitter. Criteria: Invitae Variant Classification Sherloc (09022015). Collection method: clinical testing. Allele origin: germline.
Comment: This sequence change replaces threonine, which is neutral and polar, with isoleucine, which is neutral and non-polar, at codon 106 of the DNAH9 protein (p.Thr106Ile). The frequency data for this variant in the population databases is considered unreliable, as metrics indicate poor data quality at this position in the gnomAD database. This variant has not been reported in the literature in individuals affected with DNAH9-related conditions. Algorithms developed to predict the effect of missense changes on protein structure and function are either unavailable or do not agree on the potential impact of this missense change (SIFT: "Deleterious"; PolyPhen-2: "Benign"; Align-GVGD: "Class C0"). In summary, the available evidence is currently insufficient to determine the role of this variant in disease. Therefore, it has been classified as a Variant of Uncertain Significance.

NM_001372.4(DNAH9):c.317C>T (p.Thr106Ile)

Gene: DNAH9 (dynein axonemal heavy chain 9; plus strand). Cytogenetic location: 17p12.
Variant type: single nucleotide variant.
Coding change: c.317C>T on transcript NM_001372.4 (MANE Select); coding-DNA position 317, C replaced by T.
Protein change: p.Thr106Ile; replaces threonine 106 with isoleucine.
Molecular consequence: missense variant.
Genome position (GRCh38, 1-based): chr17:11,598,815, C>T. VCF-style: chr17-11598815-C-T. GRCh37 (hg19) VCF-style: chr17-11502132-C-T.
Other names: short protein forms T106I.
Identifiers: ClinVar variation 2002443 (VCV002002443.1), dbSNP rs753944753, ClinGen allele CA8394487.